The following is an entry in ClinVar:

ClinVar aggregate classification (germline): Benign (1 of 4 stars; one submission).

Submission:

Women's Health and Genetics/Laboratory Corporation of America, LabCorp
Classification: Benign. Last evaluated: 2023-12-07. Review status: criteria provided, single submitter. Criteria: LabCorp Variant Classification Summary - May 2015. Collection method: clinical testing. Allele origin: germline.
Comment: Variant summary: AGXT c.165+15_166-18dup108 alters a nucleotide located at a position not widely known to affect splicing. Consensus agreement among computation tools predict no significant impact on normal splicing. However, these predictions have yet to be confirmed by functional studies. The variant allele was found at a frequency of 0.16 in 125186 control chromosomes in the gnomAD database (Structural Variants, v4.0 dataset), including 968 homozygotes. The observed variant frequency is approximately 70-fold of the estimated maximal expected allele frequency for a pathogenic variant in AGXT causing Primary Hyperoxaluria Type 1 phenotype (0.0024), strongly suggesting that the variant is benign. To our knowledge, no occurrence of c.165+15_166-18dup108 in individuals affected with Primary Hyperoxaluria Type 1 and no experimental evidence demonstrating its impact on protein function have been reported. No other submitters have cited clinical-significance assessments for this variant to ClinVar after 2014. Based on the evidence outlined above, the variant was classified as benign.

NM_000030.3(AGXT):c.165+15_166-18dup

Gene: AGXT (alanine--glyoxylate aminotransferase; plus strand). Cytogenetic location: 2q37.3.
Variant type: Duplication.
Coding change: c.165+15_166-18dup on transcript NM_000030.3 (MANE Select); 15 bases into the intron after coding-DNA position 165 through 18 bases into the intron before coding-DNA position 166, 108 bases duplicated.
Molecular consequence: intron variant.
Genome position (GRCh38, 1-based): chr2:240,869,045-240,869,152, 108 bases duplicated. GRCh37 (hg19): chr2:241,808,462-241,808,569.
Identifiers: ClinVar variation 3068847 (VCV003068847.1), dbSNP rs2528739402, ClinGen allele CA915948958.